The following is an entry in ClinVar:

NM_001365951.3(KIF1B):c.4432T>G (p.Leu1478Val)

Gene: KIF1B (kinesin family member 1B; plus strand). Cytogenetic location: 1p36.22.
Variant type: single nucleotide variant.
Coding change: c.4432T>G on transcript NM_001365951.3 (MANE Select); coding-DNA position 4432, T replaced by G.
Protein change: p.Leu1478Val; replaces leucine 1478 with valine.
Molecular consequence: missense variant.
Genome position (GRCh38, 1-based): chr1:10,365,165, T>G. VCF-style: chr1-10365165-T-G. GRCh37 (hg19) VCF-style: chr1-10425223-T-G.
Other names: c.4432T>G, p.Leu1478Val (NM_001365952.1); c.4294T>G, p.Leu1432Val (NM_015074.3); short protein forms L1432V, L1478V.
Identifiers: ClinVar variation 5023188 (VCV005023188.1).
Genomic context (GRCh38, chr1:10,365,165, plus strand): 5'-CAGAGAAGGAGAAGAAAAATCTTAGATACGTCAGTGGCATATGTGCGGGGAGAAGAGAAC[T>G]TAGCAGGCTGGCGGCCCCGTGGAGACAGCCTCATCCTTGAGCACCAGTGGGAGCTGGAGA-3'
Protein context (NP_001352880.1, residues 1468-1488): SVAYVRGEEN[Leu1478Val]AGWRPRGDSL

ClinVar aggregate classification (germline): Uncertain significance (1 of 4 stars; one submission).

Submission:

Ambry Genetics
Classification: Uncertain significance. Last evaluated: 2026-07-11. Review status: criteria provided, single submitter. Criteria: Ambry Variant Classification Scheme 2023. Collection method: clinical testing. Allele origin: germline.
Comment: The p.L1432V variant (also known as c.4294T>G), located in coding exon 39 of the KIF1B gene, results from a T to G substitution at nucleotide position 4294. The leucine at codon 1432 is replaced by valine, an amino acid with highly similar properties. This amino acid position is conserved. In addition, the in silico prediction for this alteration is inconclusive. Based on the available evidence, the clinical significance of this variant remains unclear.